The following is an entry in ClinVar:

NM_024675.4(PALB2):c.3339del (p.Gln1114fs)

Gene: PALB2 (partner and localizer of BRCA2; minus strand). Cytogenetic location: 16p12.2.
Variant type: Deletion.
Coding change: c.3339del on transcript NM_024675.4 (MANE Select); coding-DNA position 3339, one base deleted (G; older notation c.3339delG).
Protein change: p.Gln1114fs; shifts the reading frame from glutamine 1114.
Molecular consequence: frameshift variant. On other transcripts: intron variant (8).
Genome position (GRCh38, 1-based): chr16:23,607,875, C deleted on the plus strand (G on the coding strand, the reverse complement: PALB2 is on the minus strand); the first of 3 consecutive C bases (chr16:23,607,875-23,607,877); deleting any one gives the same sequence. VCF-style (leftmost placement, unchanged base first): chr16-23607874-GC-G. GRCh37 (hg19) VCF-style: chr16-23619195-GC-G.
Other names: c.3279del, p.Gln1094fs (NM_001407296.1); c.3267del, p.Gln1090fs (NM_001407297.1); c.3177del, p.Gln1060fs (NM_001407298.1); c.3060del, p.Gln1021fs (NM_001407300.1); c.2454del, p.Gln819fs (NM_001407304.1, NM_001407305.1, NM_001407306.1); c.2292del, p.Gln765fs (NM_001407307.1); c.1551del, p.Gln518fs (NM_001407312.1); c.873del, p.Gln292fs (NM_001407314.1); and 6 more; short protein forms Q1021fs, Q1060fs, Q1090fs, Q1094fs, Q1114fs, Q292fs, Q518fs, Q765fs.
Identifiers: ClinVar variation 2674054 (VCV002674054.1), dbSNP rs2506213740, ClinGen allele CA2695197577.
Genomic context (GRCh38, chr16:23,607,874, plus strand): 5'-AGTGCCTTTCAGAATGTCCCACCCATAGAGTAGCAGTTATGCACACTTGCCTGCCAGCCT[GC>G]CCTGGAGGAAGACAGTACAGCATCACACCCACGCTGAGAGTCGTCTTAGGGTTAATCACA-3'

ClinVar aggregate classification (germline): Pathogenic (1 of 4 stars; one submission).

Conditions:
Familial cancer of breast. Also called: Hereditary breast cancer; BREAST CANCER, FAMILIAL; hereditary breast carcinoma. Identifiers: Orphanet 227535, MedGen C0346153, MONDO:0016419, OMIM 114480. Disease mechanism: loss of function.

Submission:

Myriad Genetics, Inc.
Classification: Pathogenic for Familial cancer of breast. Last evaluated: 2023-09-15. Review status: criteria provided, single submitter. Criteria: Myriad Autosomal Dominant, Autosomal Recessive and X-Linked Classification Criteria (2023). Collection method: clinical testing. Allele origin: unknown.
Comment: This variant is considered pathogenic. This variant creates a frameshift predicted to result in premature protein truncation.